The following is an entry in ClinVar:

ClinVar aggregate classification (germline): Uncertain significance. Review status: criteria provided, multiple submitters, no conflicts (2 of 4 stars). 2 submissions from 2 submitters: Uncertain significance (2). Last evaluated 2025-06-22.

Conditions:
Inborn genetic diseases. Identifiers: MedGen C0950123, MeSH D030342.

Allele frequency attached by ClinVar (database versions not stated): ExAC 0.00001; gnomAD exomes below 0.00001.
gnomAD v4.1: 2 of 1,608,112 alleles (0.00012%); highest among the groups gnomAD compares: Admixed American, 0.0017%; no homozygotes.

Submissions (2):

Ambry Genetics
Classification: Uncertain significance for Inborn genetic diseases. Last evaluated: 2025-06-22. Review status: criteria provided, single submitter. Criteria: Ambry Variant Classification Scheme 2023. Collection method: clinical testing. Allele origin: germline.

Labcorp Genetics (formerly Invitae), Labcorp
Classification: Uncertain significance. Last evaluated: 2021-11-08. Review status: criteria provided, single submitter. Criteria: Invitae Variant Classification Sherloc (09022015). Collection method: clinical testing. Allele origin: germline.
Comment: This sequence change replaces valine, which is neutral and non-polar, with isoleucine, which is neutral and non-polar, at codon 916 of the ADGRV1 protein (p.Val916Ile). This variant is present in population databases (rs771551901, gnomAD 0.003%). This variant has not been reported in the literature in individuals affected with ADGRV1-related conditions. Algorithms developed to predict the effect of missense changes on protein structure and function output the following: SIFT: "Tolerated"; PolyPhen-2: "Benign"; Align-GVGD: "Class C0". The isoleucine amino acid residue is found in multiple mammalian species, which suggests that this missense change does not adversely affect protein function. In summary, the available evidence is currently insufficient to determine the role of this variant in disease. Therefore, it has been classified as a Variant of Uncertain Significance.

NM_032119.4(ADGRV1):c.2746G>A (p.Val916Ile)

Gene: ADGRV1 (adhesion G protein-coupled receptor V1; plus strand). Cytogenetic location: 5q14.3.
Variant type: single nucleotide variant.
Coding change: c.2746G>A on transcript NM_032119.4 (MANE Select); coding-DNA position 2746, G replaced by A.
Protein change: p.Val916Ile; replaces valine 916 with isoleucine.
Molecular consequence: missense variant. On other transcripts: non-coding transcript variant (1).
Genome position (GRCh38, 1-based): chr5:90,644,717, G>A. VCF-style: chr5-90644717-G-A. GRCh37 (hg19) VCF-style: chr5-89940534-G-A.
Other names: c.2746G>A (NM_032119.3); short protein forms V916I.
Identifiers: ClinVar variation 1462317 (VCV001462317.5), dbSNP rs771551901, ClinGen allele CA3339012.